The following is an entry in ClinVar:

ClinVar aggregate classification (germline): Uncertain significance (1 of 4 stars; one submission).

Conditions:
Congenital contractural arachnodactyly (CCA). Also called: BEALS SYNDROME; Arthrogryposis, distal, type 9; Beals-Hecht syndrome. Identifiers: Orphanet 115, MedGen C0220668, MONDO:0007363, OMIM 121050.

Submission:

Labcorp Genetics (formerly Invitae), Labcorp
Classification: Uncertain significance for Congenital contractural arachnodactyly. Last evaluated: 2023-09-27. Review status: criteria provided, single submitter. Criteria: Invitae Variant Classification Sherloc (09022015). Collection method: clinical testing. Allele origin: germline.
Comment: In summary, the available evidence is currently insufficient to determine the role of this variant in disease. Therefore, it has been classified as a Variant of Uncertain Significance. Advanced modeling of protein sequence and biophysical properties (such as structural, functional, and spatial information, amino acid conservation, physicochemical variation, residue mobility, and thermodynamic stability) performed at Invitae indicates that this missense variant is expected to disrupt FBN2 protein function. This variant has not been reported in the literature in individuals affected with FBN2-related conditions. This variant is not present in population databases (gnomAD no frequency). This sequence change replaces glycine, which is neutral and non-polar, with arginine, which is basic and polar, at codon 1706 of the FBN2 protein (p.Gly1706Arg).

NM_001999.4(FBN2):c.5116G>C (p.Gly1706Arg)

Gene: FBN2 (fibrillin 2; minus strand). Cytogenetic location: 5q23.3.
Variant type: single nucleotide variant.
Coding change: c.5116G>C on transcript NM_001999.4 (MANE Select); coding-DNA position 5116, G replaced by C.
Protein change: p.Gly1706Arg; replaces glycine 1706 with arginine.
Molecular consequence: missense variant.
Genome position (GRCh38, 1-based): chr5:128,310,067, C>G on the plus strand (G>C on the coding strand, the complement: FBN2 is on the minus strand). VCF-style: chr5-128310067-C-G. GRCh37 (hg19) VCF-style: chr5-127645759-C-G.
Other names: short protein forms G1706R.
Identifiers: ClinVar variation 2763901 (VCV002763901.3), dbSNP rs2479735755, ClinGen allele CA360744523.